The following is an entry in ClinVar:

NM_005060.4(RORC):c.156+63CA[14]

Gene: RORC (RAR related orphan receptor C; minus strand). Cytogenetic location: 1q21.3.
Variant type: Microsatellite.
Coding change: c.156+63CA[14] on transcript NM_005060.4 (MANE Select); 14 copies in a row of the 2-base unit CA starting at c.156+63; the reference has ten copies in a row; four copies, 8 bases duplicated.
Molecular consequence: intron variant.
Genome position (GRCh38, 1-based): chr1:151,817,113-151,817,120, TGTGTGTG duplicated on the plus strand (CACACACA on the coding strand, the reverse complement: RORC is on the minus strand); duplicating any 8 consecutive bases within chr1:151,817,113-151,817,132 gives the same sequence; the position shown is the placement nearest the transcript's 3' end. VCF-style (leftmost placement, unchanged base first): chr1-151817112-C-CTGTGTGTG. GRCh37 (hg19) VCF-style: chr1-151789588-C-CTGTGTGTG.
Other names: c.93+63CA[14] (NM_001001523.2).
Identifiers: ClinVar variation 2688284 (VCV002688284.2), dbSNP rs151171878, ClinGen allele CA30500332.

ClinVar aggregate classification (germline): Benign (1 of 4 stars; one submission).

Submission:

Unidad de Genómica Garrahan, Hospital de Pediatría Garrahan
Classification: Benign. Last evaluated: 2024-01-24. Review status: criteria provided, single submitter. Criteria: ACMG Guidelines, 2015. Collection method: clinical testing. Allele origin: germline. Affected: no. Observed: 25 variant alleles.
Comment: This variant is classified as Benign based on local population frequency. This variant was detected in 26% of patients studied by a panel of primary immunodeficiencies. Number of patients: 25. Only high quality variants are reported.